The following is an entry in ClinVar:

ClinVar aggregate classification (germline): Conflicting classifications of pathogenicity. Review status: criteria provided, conflicting classifications (1 of 4 stars). 8 submissions from 8 submitters: Uncertain significance (1); Benign (3); Likely benign (4). Last evaluated 2026-01-13.

Conditions:
Tuberous sclerosis 2 (TSC2). Identifiers: Orphanet 805, MedGen C1860707, MONDO:0013199, OMIM 613254.
TSC2-related disorder. Also called: TSC2-related condition; TSC2-Related Disorders.
Hereditary cancer-predisposing syndrome. Also called: Tumor predisposition; Hereditary neoplastic syndrome; Neoplastic Syndromes, Hereditary; Hereditary Cancer Syndrome. Identifiers: Orphanet 140162, MedGen C0027672, MeSH D009386, MONDO:0015356.
Tuberous sclerosis syndrome (TSC). Also called: Tuberous Sclerosis Complex; Tuberous sclerosis. Identifiers: Orphanet 805, MedGen C0041341, MONDO:0001734.

Allele frequency attached by ClinVar (database versions not stated): gnomAD below 0.00001 and 0.00004; TOPMed 0.00002; gnomAD exomes 0.00005 and 0.00007; ExAC 0.00008; ESP Exome Variant Server 0.00008; 1000 Genomes Project 30x 0.00031.
gnomAD v4.1: 85 of 1,604,180 alleles (0.0053%); highest among the groups gnomAD compares: South Asian, 0.086%; no homozygotes.

Submissions (8):

Labcorp Genetics (formerly Invitae), Labcorp
Classification: Benign for Tuberous sclerosis 2. Last evaluated: 2026-01-13. Review status: criteria provided, single submitter. Criteria: Invitae Variant Classification Sherloc (09022015). Collection method: clinical testing. Allele origin: germline.

PreventionGenetics, part of Exact Sciences
Classification: Likely benign for TSC2-related condition. Last evaluated: 2024-12-20. Review status: criteria provided, single submitter. Criteria: ACMG Guidelines, 2015. Collection method: clinical testing. Allele origin: germline.
Comment: This variant is classified as likely benign based on ACMG/AMP sequence variant interpretation guidelines (Richards et al. 2015 PMID: 25741868, with internal and published modifications).

Myriad Genetics, Inc.
Classification: Likely benign for Tuberous sclerosis 2. Last evaluated: 2024-08-27. Review status: criteria provided, single submitter. Criteria: Myriad Autosomal Dominant, Autosomal Recessive and X-Linked Classification Criteria (2023). Collection method: clinical testing. Allele origin: unknown.
Comment: This variant is considered likely benign. This variant has been observed at a population frequency that is significantly greater than expected given the associated disease prevalence and penetrance.

Color Diagnostics, LLC DBA Color Health
Classification: Likely benign for Tuberous sclerosis syndrome. Last evaluated: 2023-11-20. Review status: criteria provided, single submitter. Criteria: ACMG Guidelines, 2015. Collection method: clinical testing. Allele origin: germline.

Ambry Genetics
Classification: Benign for Hereditary cancer-predisposing syndrome. Last evaluated: 2021-12-02. Review status: criteria provided, single submitter. Criteria: Ambry Variant Classification Scheme 2023. Collection method: clinical testing. Allele origin: germline.

Genome-Nilou Lab
Classification: Benign for Tuberous sclerosis 2. Last evaluated: 2021-11-07. Review status: criteria provided, single submitter. Criteria: ACMG Guidelines, 2015. Collection method: clinical testing. Allele origin: germline. Affected: no.

New York Genome Center
Classification: Uncertain significance for Tuberous sclerosis 2. Last evaluated: 2020-06-12. Review status: criteria provided, single submitter. Criteria: NYGC Assertion Criteria 2020. Collection method: clinical testing. Allele origin: germline. Observed: 1 heterozygote. Study: CSER-NYCKidSeq.

Illumina Laboratory Services, Illumina
Classification: Likely benign for Tuberous sclerosis syndrome. Last evaluated: 2018-01-13. Review status: criteria provided, single submitter. Criteria: ICSL Variant Classification Criteria 13 December 2019. Collection method: clinical testing. Allele origin: germline.
Comment: This variant was observed in the ICSL laboratory as part of a predisposition screen in an ostensibly healthy population. It had not been previously curated by ICSL or reported in the Human Gene Mutation Database (HGMD: prior to June 1st, 2018), and was therefore a candidate for classification through an automated scoring system. Utilizing variant allele frequency, disease prevalence and penetrance estimates, and inheritance mode, an automated score was calculated to assess if this variant is too frequent to cause the disease. Based on the score and internal cut-off values, a variant classified as likely benign is not then subjected to further curation. The score for this variant resulted in a classification of likely benign for this disease.

NM_000548.5(TSC2):c.5413G>A (p.Glu1805Lys)

Gene: TSC2 (TSC complex subunit 2; plus strand). Cytogenetic location: 16p13.3.
Variant type: single nucleotide variant.
Coding change: c.5413G>A on transcript NM_000548.5 (MANE Select); coding-DNA position 5413, G replaced by A.
Protein change: p.Glu1805Lys; replaces glutamic acid 1805 with lysine.
Molecular consequence: missense variant.
Genome position (GRCh38, 1-based): chr16:2,088,599, G>A. VCF-style: chr16-2088599-G-A. GRCh37 (hg19) VCF-style: chr16-2138600-G-A.
Other names: c.5212G>A, p.Glu1738Lys (NM_001077183.3); c.5344G>A, p.Glu1782Lys (NM_001114382.3); c.5104G>A, p.Glu1702Lys (NM_001318827.2); c.5068G>A, p.Glu1690Lys (NM_001318829.2); c.4681G>A, p.Glu1561Lys (NM_001318831.2); c.5245G>A, p.Glu1749Lys (NM_001318832.2); c.5215G>A, p.Glu1739Lys (NM_001363528.2); c.5281G>A, p.Glu1761Lys (NM_001370404.1); and 3 more; short protein forms E1805K, E1690K, E1762K, E1738K, E1739K, E1782K, E1561K, E1758K.
Identifiers: ClinVar variation 536087 (VCV000536087.27), dbSNP rs376017665, ClinGen allele CA055360.